The following is an entry in ClinVar:

ClinVar aggregate classification (germline): Uncertain significance (1 of 4 stars; one submission).

Submission:

Labcorp Genetics (formerly Invitae), Labcorp
Classification: Uncertain significance. Last evaluated: 2024-11-23. Review status: criteria provided, single submitter. Criteria: Invitae Variant Classification Sherloc (09022015). Collection method: clinical testing. Allele origin: germline.
Comment: This sequence change affects codon 18 of the THBD mRNA. It is a 'silent' change, meaning that it does not change the encoded amino acid sequence of the THBD protein. This variant is not present in population databases (gnomAD no frequency). This variant has not been reported in the literature in individuals affected with THBD-related conditions. In summary, the available evidence is currently insufficient to determine the role of this variant in disease. Therefore, it has been classified as a Variant of Uncertain Significance.

NM_000361.3(THBD):c.54C>T (p.Pro18=)

Gene: THBD (thrombomodulin; minus strand). Cytogenetic location: 20p11.21.
Variant type: single nucleotide variant.
Coding change: c.54C>T on transcript NM_000361.3 (MANE Select); coding-DNA position 54, C replaced by T.
Protein change: p.Pro18=; no amino-acid change (proline 18 retained).
Molecular consequence: synonymous variant.
Genome position (GRCh38, 1-based): chr20:23,049,451, G>A on the plus strand (C>T on the coding strand, the complement: THBD is on the minus strand). VCF-style: chr20-23049451-G-A. GRCh37 (hg19) VCF-style: chr20-23030088-G-A.
Identifiers: ClinVar variation 3680935 (VCV003680935.2).